The following is an entry in ClinVar:

NM_174936.4(PCSK9):c.802C>T (p.Leu268=)

Gene: PCSK9 (proprotein convertase subtilisin/kexin type 9; plus strand). Cytogenetic location: 1p32.3.
Variant type: single nucleotide variant.
Coding change: c.802C>T on transcript NM_174936.4 (MANE Select); coding-DNA position 802, C replaced by T.
Protein change: p.Leu268=; no amino-acid change (leucine 268 retained).
Molecular consequence: synonymous variant. On other transcripts: non-coding transcript variant (8).
Genome position (GRCh38, 1-based): chr1:55,055,995, C>T. VCF-style: chr1-55055995-C-T. GRCh37 (hg19) VCF-style: chr1-55521668-C-T.
Other names: c.925C>T, p.Leu309= (NM_001407240.1); c.802C>T, p.Leu268= (NM_001407241.1, NM_001407244.1, NM_001407247.1); c.805C>T, p.Leu269= (NM_001407242.1); c.745C>T, p.Leu249= (NM_001407243.1); c.610C>T, p.Leu204= (NM_001407245.1); c.427C>T, p.Leu143= (NM_001407246.1).
Identifiers: ClinVar variation 3075492 (VCV003075492.1), dbSNP rs2523243436, ClinGen allele CA417959831.

ClinVar aggregate classification (germline): Likely benign (1 of 4 stars; one submission).

Conditions:
Hypercholesterolemia, autosomal dominant, 3 (FHCL3). Also called: Familial Hypercholesterolemia, Autosomal Dominant, 3; PCSK9-Related Familial Hypercholesterolemia, Autosomal Dominant; Familial hypercholesterolemia 3. Identifiers: MedGen C1863551, MONDO:0011369, OMIM 603776.

Submission:

All of Us Research Program, National Institutes of Health
Classification: Likely benign for Hypercholesterolemia, autosomal dominant, 3. Last evaluated: 2024-02-05. Review status: criteria provided, single submitter. Criteria: ACMG Guidelines, 2015. Collection method: clinical testing. Allele origin: germline. Inheritance: Autosomal dominant inheritance. Observed: 1 variant allele, 1 heterozygote.
Comment: This study involves interpretation of variants in research participants for the purpose of population health screening. Participant phenotype was not available at the time of variant classification. Additional details can be found in publication PMID: 35346344, PMCID: PMC8962531